The following is an entry in ClinVar:

ClinVar aggregate classification (germline): Likely benign. Review status: criteria provided, multiple submitters, no conflicts (2 of 4 stars). 2 submissions from 2 submitters: Likely benign (2). Last evaluated 2026-06-01.

Conditions:
Encephalopathy, acute, infection-induced (herpes-specific), susceptibility to, 6. Also called: Herpes simplex encephalitis, susceptibility to, 4. Identifiers: Orphanet 1930, MedGen C3553869, MONDO:0013921, OMIM 614850.

Allele frequency attached by ClinVar (database versions not stated): gnomAD exomes below 0.00001.
gnomAD v4.1: 4 of 1,614,076 alleles (0.00025%); highest among the groups gnomAD compares: African/African-American, 0.0013%; no homozygotes.

Submissions (2):

CeGaT Center for Human Genetics Tuebingen
Classification: Likely benign. Last evaluated: 2026-06-01. Review status: criteria provided, single submitter. Criteria: CeGaT Center For Human Genetics Tuebingen Variant Classification Criteria Version 2. Collection method: clinical testing. Allele origin: germline. Affected: yes. Observed: 1 variant allele.
Comment: TICAM1: BP4, BP7

Labcorp Genetics (formerly Invitae), Labcorp
Classification: Likely benign for Encephalopathy, acute, infection-induced (herpes-specific), susceptibility to, 6. Last evaluated: 2024-08-13. Review status: criteria provided, single submitter. Criteria: Invitae Variant Classification Sherloc (09022015). Collection method: clinical testing. Allele origin: germline.

NM_182919.4(TICAM1):c.1215C>T (p.Asp405=)

Gene: TICAM1 (TIR domain containing adaptor molecule 1; minus strand). Cytogenetic location: 19p13.3.
Variant type: single nucleotide variant.
Coding change: c.1215C>T on transcript NM_182919.4 (MANE Select); coding-DNA position 1215, C replaced by T.
Protein change: p.Asp405=; no amino-acid change (aspartic acid 405 retained).
Molecular consequence: synonymous variant.
Genome position (GRCh38, 1-based): chr19:4,817,163, G>A on the plus strand (C>T on the coding strand, the complement: TICAM1 is on the minus strand). VCF-style: chr19-4817163-G-A. GRCh37 (hg19) VCF-style: chr19-4817175-G-A.
Other names: c.1173C>T, p.Asp391= (NM_001385678.1); c.1080C>T, p.Asp360= (NM_001385679.1); c.573C>T, p.Asp191= (NM_001385680.1).
Identifiers: ClinVar variation 1945184 (VCV001945184.7), dbSNP rs906910043, ClinGen allele CA304547624.
Genomic context (GRCh38, chr19:4,817,163, plus strand): 5'-GGCCCCGTCGGGCACGCCAAGGGCCTCCAGCTTCTCCCGAACCCGCAGGGCGATGTGTTC[G>A]TCTGCCCTGGCGTGGAGGATCACAAAGTTATAGAATTTCTGTTCCGATGATGATTCCAGG-3'
Protein context (NP_891549.1, residues 395-415): YNFVILHARA[Asp405=]EHIALRVREK